The following is an entry in ClinVar:

NM_004113.6(FGF12):c.184dup (p.Ser62fs)

Gene: FGF12 (fibroblast growth factor 12; minus strand). Cytogenetic location: 3q28.
Variant type: Duplication.
Coding change: c.184dup on transcript NM_004113.6 (MANE Select); coding-DNA position 184, one base duplicated (A; older notation c.184dupA).
Protein change: p.Ser62fs; shifts the reading frame from serine 62.
Molecular consequence: frameshift variant.
Genome position (GRCh38, 1-based): chr3:192,335,405, T duplicated on the plus strand (A on the coding strand, the reverse complement: FGF12 is on the minus strand). VCF-style (leftmost placement, unchanged base first): chr3-192335404-C-CT. GRCh37 (hg19) VCF-style: chr3-192053193-C-CT.
Other names: c.73dup, p.Ser25fs (NM_001377292.1); c.112dup, p.Ser38fs (NM_001377293.1, NM_001377294.1); c.370dup, p.Ser124fs (NM_021032.5); short protein forms S38fs, S62fs, S25fs, S124fs.
Identifiers: ClinVar variation 1386219 (VCV001386219.6), dbSNP rs2108699747, ClinGen allele CA2573136848.

ClinVar aggregate classification (germline): Uncertain significance (1 of 4 stars; one submission).

Submission:

Labcorp Genetics (formerly Invitae), Labcorp
Classification: Uncertain significance. Last evaluated: 2022-08-16. Review status: criteria provided, single submitter. Criteria: Invitae Variant Classification Sherloc (09022015). Collection method: clinical testing. Allele origin: germline.
Comment: This sequence change creates a premature translational stop signal (p.Ser124Lysfs*9) in the FGF12 gene. It is expected to result in an absent or disrupted protein product. However, the current clinical and genetic evidence is not sufficient to establish whether loss-of-function variants in FGF12 cause disease. This variant is not present in population databases (gnomAD no frequency). In summary, the available evidence is currently insufficient to determine the role of this variant in disease. Therefore, it has been classified as a Variant of Uncertain Significance. ClinVar contains an entry for this variant (Variation ID: 1386219). This variant has not been reported in the literature in individuals affected with FGF12-related conditions.